The following is an entry in ClinVar:

NM_001009944.3(PKD1):c.689G>C (p.Cys230Ser)

Gene: PKD1 (polycystin 1, transient receptor potential channel interacting; minus strand). Cytogenetic location: 16p13.3.
Variant type: single nucleotide variant.
Coding change: c.689G>C on transcript NM_001009944.3 (MANE Select); coding-DNA position 689, G replaced by C.
Protein change: p.Cys230Ser; replaces cysteine 230 with serine.
Molecular consequence: missense variant.
Genome position (GRCh38, 1-based): chr16:2,118,303, C>G on the plus strand (G>C on the coding strand, the complement: PKD1 is on the minus strand). VCF-style: chr16-2118303-C-G. GRCh37 (hg19) VCF-style: chr16-2168304-C-G.
Other names: c.689G>C, p.Cys230Ser (NM_000296.4); c.689G>C (NM_001009944.2); short protein forms C230S.
Identifiers: ClinVar variation 586291 (VCV000586291.3), dbSNP rs1255640370, ClinGen allele CA394394565.

ClinVar aggregate classification (germline): Conflicting classifications of pathogenicity. Review status: criteria provided, conflicting classifications (1 of 4 stars). 3 submissions from 3 submitters: Likely pathogenic (1); Uncertain significance (2). Last evaluated 2026-05-08.

Conditions:
Polycystic kidney disease, adult type (PKD1). Also called: Polycystic Kidney, Autosomal Dominant; Polycystic Kidney Disease 1, Autosomal Dominant; Polycystic kidney disease 1; Polycystic kidney disease 1, severe; POLYCYSTIC KIDNEY DISEASE, ADULT, TYPE I; POLYCYSTIC KIDNEY DISEASE 1 WITH OR WITHOUT POLYCYSTIC LIVER DISEASE. Identifiers: MedGen C3149841, MONDO:0008263, OMIM 173900.

Submissions (3):

Women's Health and Genetics/Laboratory Corporation of America, LabCorp
Classification: Likely pathogenic for Polycystic kidney disease, adult type. Last evaluated: 2026-05-08. Review status: criteria provided, single submitter. Criteria: LabCorp Variant Classification Summary - May 2015. Collection method: clinical testing. Allele origin: germline.
Comment: Variant summary: PKD1 c.689G>C (p.Cys230Ser) results in a non-conservative amino acid change in the encoded protein sequence. Algorithms developed to predict the effect of missense changes on protein structure and function all suggest that this variant is likely to be disruptive. The frequency data for this variant in gnomAD v2.1 is considered unreliable, as metrics indicate poor data quality at this position, however it is absent in gnomAD v4.1. c.689G>C has been observed in individuals affected with autosomal dominant Polycystic Kidney Disease 1 (e.g. Lorthioir_2015, Audrezet_2016). These data indicate that the variant is likely to be associated with disease. To our knowledge, no experimental evidence demonstrating an impact on protein function has been reported. The following publications have been ascertained in the context of this evaluation (PMID: 25029430, 17582161, 26139440). ClinVar contains an entry for this variant (Variation ID: 586291). Based on the evidence outlined above, the variant was classified as likely pathogenic.

GeneDx
Classification: Uncertain significance. Last evaluated: 2026-03-12. Review status: criteria provided, single submitter. Criteria: GeneDx Variant Classification Process June 2021. Collection method: clinical testing. Allele origin: germline.
Comment: Not observed at significant frequency in large population cohorts (gnomAD); In silico analysis supports that this missense variant has a deleterious effect on protein structure/function; This variant is associated with the following publications: (PMID: 41653026, 26139440)

Athena Diagnostics
Classification: Uncertain significance. Last evaluated: 2017-12-01. Review status: criteria provided, single submitter. Criteria: Athena Diagnostics Criteria. Collection method: clinical testing. Allele origin: germline.

Literature cited by the submitters: PubMed 26139440 (cited by Women's Health and Genetics/Laboratory Corporation of America, LabCorp and Athena Diagnostics); PubMed 17582161 (cited by Women's Health and Genetics/Laboratory Corporation of America, LabCorp); PubMed 25029430 (cited by Women's Health and Genetics/Laboratory Corporation of America, LabCorp).